The following is an entry in ClinVar:

ClinVar aggregate classification (germline): Uncertain significance. Review status: criteria provided, multiple submitters, no conflicts (2 of 4 stars). 2 submissions from 2 submitters: Uncertain significance (2). Last evaluated 2025-08-08.

Conditions:
Inborn genetic diseases. Identifiers: MedGen C0950123, MeSH D030342.
Familial hemophagocytic lymphohistiocytosis 5. Also called: STXBP2-Related Familial Hemophagocytic Lymphohistiocytosis (STXBP2-fHLH). Identifiers: Orphanet 540, MedGen C2751293, MONDO:0013135, OMIM 613101.

Allele frequency attached by ClinVar (database versions not stated): gnomAD 0.00001; gnomAD exomes 0.00001; TOPMed 0.00001.
gnomAD v4.1: 9 of 1,552,520 alleles (0.00058%); highest among the groups gnomAD compares: Non-Finnish European, 0.00078%; no homozygotes.

Submissions (2):

Ambry Genetics
Classification: Uncertain significance for Inborn genetic diseases. Last evaluated: 2025-08-08. Review status: criteria provided, single submitter. Criteria: Ambry Variant Classification Scheme 2023. Collection method: clinical testing. Allele origin: germline.

Labcorp Genetics (formerly Invitae), Labcorp
Classification: Uncertain significance for Familial hemophagocytic lymphohistiocytosis 5. Last evaluated: 2022-06-15. Review status: criteria provided, single submitter. Criteria: Invitae Variant Classification Sherloc (09022015). Collection method: clinical testing. Allele origin: germline.
Comment: This sequence change replaces alanine, which is neutral and non-polar, with valine, which is neutral and non-polar, at codon 162 of the STXBP2 protein (p.Ala162Val). The frequency data for this variant in the population databases is considered unreliable, as metrics indicate poor data quality at this position in the gnomAD database. This variant has not been reported in the literature in individuals affected with STXBP2-related conditions. Algorithms developed to predict the effect of missense changes on protein structure and function output the following: SIFT: "Tolerated"; PolyPhen-2: "Benign"; Align-GVGD: "Class C0". The valine amino acid residue is found in multiple mammalian species, which suggests that this missense change does not adversely affect protein function. In summary, the available evidence is currently insufficient to determine the role of this variant in disease. Therefore, it has been classified as a Variant of Uncertain Significance.

NM_006949.4(STXBP2):c.485C>T (p.Ala162Val)

Gene: STXBP2 (syntaxin binding protein 2; plus strand). Cytogenetic location: 19p13.2.
Variant type: single nucleotide variant.
Coding change: c.485C>T on transcript NM_006949.4 (MANE Select); coding-DNA position 485, C replaced by T.
Protein change: p.Ala162Val; replaces alanine 162 with valine.
Molecular consequence: missense variant. On other transcripts: non-coding transcript variant (1).
Genome position (GRCh38, 1-based): chr19:7,641,760, C>T. VCF-style: chr19-7641760-C-T. GRCh37 (hg19) VCF-style: chr19-7706646-C-T.
Other names: c.476C>T, p.Ala159Val (NM_001127396.3); c.518C>T, p.Ala173Val (NM_001272034.2); c.389C>T, p.Ala130Val (NM_001414484.1); short protein forms A173V, A159V, A130V, A162V.
Identifiers: ClinVar variation 1933660 (VCV001933660.3), dbSNP rs1295427888, ClinGen allele CA403158327.